The following is an entry in ClinVar:

ClinVar aggregate classification (germline): Uncertain significance (1 of 4 stars; one submission).

Submission:

GeneDx
Classification: Uncertain significance. Last evaluated: 2026-02-03. Review status: criteria provided, single submitter. Criteria: GeneDx Variant Classification Process June 2021. Collection method: clinical testing. Allele origin: germline. Affected: yes.
Comment: Not observed at significant frequency in large population cohorts (gnomAD); In silico analysis supports that this missense variant has a deleterious effect on protein structure/function; Has not been previously published as pathogenic or benign to our knowledge; This variant is associated with the following publications: (PMID: 8906794)

NM_000264.5(PTCH1):c.2553G>T (p.Trp851Cys)

Genes: PTCH1 (patched 1; minus strand), LOC100507346 (uncharacterized LOC100507346; plus strand). Cytogenetic location: 9q22.32.
Variant type: single nucleotide variant.
Coding change: c.2553G>T on transcript NM_000264.5 (MANE Select); coding-DNA position 2553, G replaced by T.
Protein change: p.Trp851Cys; replaces tryptophan 851 with cysteine.
Molecular consequence: missense variant. On other transcripts: non-coding transcript variant (2).
Genome position (GRCh38, 1-based): chr9:95,467,123, C>A on the plus strand (G>T on the coding strand, the complement: PTCH1 is on the minus strand). VCF-style: chr9-95467123-C-A. GRCh37 (hg19) VCF-style: chr9-98229405-C-A.
Other names: c.2355G>T, p.Trp785Cys (NM_001083602.3); c.2550G>T, p.Trp850Cys (NM_001083603.3); c.2100G>T, p.Trp700Cys (NM_001083604.3, NM_001083605.3, NM_001083606.3 and 1 more transcripts); c.2397G>T, p.Trp799Cys (NM_001354918.2); short protein forms W700C, W785C, W799C, W850C, W851C.
Identifiers: ClinVar variation 2446481 (VCV002446481.2), dbSNP rs2117945343, ClinGen allele CA374113685.